The following is an entry in ClinVar:

ClinVar aggregate classification (germline): Uncertain significance. Review status: criteria provided, multiple submitters, no conflicts (2 of 4 stars). 2 submissions from 2 submitters: Uncertain significance (2). Last evaluated 2025-12-03.

Conditions:
3-methylcrotonyl-CoA carboxylase 1 deficiency (MCC1D). Also called: MCCD TYPE 1; METHYLCROTONYLGLYCINURIA TYPE I; MCC 1 deficiency; 3 Alpha methylcrotonylglycinuria 1. Identifiers: Orphanet 6, MedGen CN028786, MONDO:0008861, OMIM 210200.
MCCC1-related disorder. Also called: MCCC1-related condition.

gnomAD v4.1: 1 of 1,613,930 alleles (0.000062%); highest among the groups gnomAD compares: Admixed American, 0.0017%; no homozygotes.

Submissions (2):

PreventionGenetics, part of Exact Sciences
Classification: Uncertain significance for MCCC1-related condition. Last evaluated: 2025-12-03. Review status: criteria provided, single submitter. Criteria: ACMG Guidelines, 2015. Collection method: clinical testing. Allele origin: germline.
Comment: The MCCC1 c.955G>A variant is predicted to result in the amino acid substitution p.Gly319Arg. To our knowledge, this variant has not been reported in the literature or in a large population database (gnomAD), indicating this variant is rare. At this time, the clinical significance of this variant is uncertain due to the absence of conclusive functional and genetic evidence.

Labcorp Genetics (formerly Invitae), Labcorp
Classification: Uncertain significance for 3-methylcrotonyl-CoA carboxylase 1 deficiency. Last evaluated: 2022-03-11. Review status: criteria provided, single submitter. Criteria: Invitae Variant Classification Sherloc (09022015). Collection method: clinical testing. Allele origin: germline.
Comment: Algorithms developed to predict the effect of missense changes on protein structure and function (SIFT, PolyPhen-2, Align-GVGD) all suggest that this variant is likely to be disruptive. This sequence change replaces glycine, which is neutral and non-polar, with arginine, which is basic and polar, at codon 319 of the MCCC1 protein (p.Gly319Arg). This variant also falls at the last nucleotide of exon 9, which is part of the consensus splice site for this exon. This variant is not present in population databases (gnomAD no frequency). This variant has not been reported in the literature in individuals affected with MCCC1-related conditions. Variants that disrupt the consensus splice site are a relatively common cause of aberrant splicing (PMID: 17576681, 9536098). Algorithms developed to predict the effect of sequence changes on RNA splicing suggest that this variant may disrupt the consensus splice site. In summary, the available evidence is currently insufficient to determine the role of this variant in disease. Therefore, it has been classified as a Variant of Uncertain Significance.

Literature cited by the submitters: PubMed 17576681 (cited by Labcorp Genetics (formerly Invitae), Labcorp); PubMed 9536098 (cited by Labcorp Genetics (formerly Invitae), Labcorp).

NM_020166.5(MCCC1):c.955G>A (p.Gly319Arg)

Gene: MCCC1 (methylcrotonyl-CoA carboxylase subunit 1; minus strand). Cytogenetic location: 3q27.1.
Variant type: single nucleotide variant.
Coding change: c.955G>A on transcript NM_020166.5 (MANE Select); coding-DNA position 955, G replaced by A.
Protein change: p.Gly319Arg; replaces glycine 319 with arginine.
Molecular consequence: missense variant. On other transcripts: non-coding transcript variant (2).
Genome position (GRCh38, 1-based): chr3:183,052,159, C>T on the plus strand (G>A on the coding strand, the complement: MCCC1 is on the minus strand). VCF-style: chr3-183052159-C-T. GRCh37 (hg19) VCF-style: chr3-182769947-C-T.
Other names: c.955G>A (NM_020166.4); c.604G>A, p.Gly202Arg (NM_001293273.2); c.628G>A, p.Gly210Arg (NM_001363880.1); short protein forms G210R, G202R, G319R.
Identifiers: ClinVar variation 1989840 (VCV001989840.5), dbSNP rs2530236327, ClinGen allele CA355326461.